The following is an entry in ClinVar:

ClinVar aggregate classification (germline): Uncertain significance (1 of 4 stars; one submission).

Conditions:
Wilson disease (WND). Also called: Wilson's disease. Identifiers: Orphanet 905, MedGen C0019202, MONDO:0010200, OMIM 277900. Disease mechanism: loss of function.

Allele frequency attached by ClinVar (database versions not stated): gnomAD exomes below 0.00001; TOPMed below 0.00001; gnomAD 0.00001.
gnomAD v4.1: 3 of 1,614,156 alleles (0.00019%); highest among the groups gnomAD compares: Non-Finnish European, 0.00025%; no homozygotes.

Submission:

All of Us Research Program, National Institutes of Health
Classification: Uncertain significance for Wilson disease. Last evaluated: 2023-11-02. Review status: criteria provided, single submitter. Criteria: ACMG Guidelines, 2015. Collection method: clinical testing. Allele origin: germline. Inheritance: Autosomal recessive inheritance. Observed: 1 variant allele, 1 heterozygote.
Comment: This missense variant replaces isoleucine with valine at codon 417 of the ATP7B protein. Computational prediction suggests that this variant may not impact protein structure and function (internally defined REVEL score threshold <= 0.5, PMID: 27666373). To our knowledge, functional studies have not been reported for this variant. This variant has not been reported in individuals affected with ATP7B-related disorders in the literature. This variant has not been identified in the general population by the Genome Aggregation Database (gnomAD). The available evidence is insufficient to determine the role of this variant in disease conclusively. Therefore, this variant is classified as a Variant of Uncertain Significance.

This study involves interpretation of variants in research participants for the purpose of population health screening. Participant phenotype was not available at the time of variant classification. Additional details can be found in publication PMID: 35346344, PMCID: PMC8962531

NM_000053.4(ATP7B):c.1249A>G (p.Ile417Val)

Gene: ATP7B (ATPase copper transporting beta; minus strand). Cytogenetic location: 13q14.3.
Variant type: single nucleotide variant.
Coding change: c.1249A>G on transcript NM_000053.4 (MANE Select); coding-DNA position 1249, A replaced by G.
Protein change: p.Ile417Val; replaces isoleucine 417 with valine.
Molecular consequence: missense variant.
Genome position (GRCh38, 1-based): chr13:51,973,971, T>C on the plus strand (A>G on the coding strand, the complement: ATP7B is on the minus strand). VCF-style: chr13-51973971-T-C. GRCh37 (hg19) VCF-style: chr13-52548107-T-C.
Other names: c.1249A>G, p.Ile417Val (NM_001005918.3, NM_001330578.2, NM_001330579.2 and 29 more transcripts); c.916A>G, p.Ile306Val (NM_001243182.2); c.1153A>G, p.Ile385Val (NM_001406530.1, NM_001406536.1, NM_001406517.1 and 3 more transcripts); c.820A>G, p.Ile274Val (NM_001406539.1); short protein forms I274V, I306V, I385V, I417V.
Identifiers: ClinVar variation 3074216 (VCV003074216.1), dbSNP rs1202519735, ClinGen allele CA388038136.